The following is an entry in ClinVar:

NC_000012.11:g.(?_124118072)_(124118104_?)del

Gene: EIF2B1 (eukaryotic translation initiation factor 2B subunit alpha; minus strand). Cytogenetic location: 12q24.31.
Variant type: Deletion.
Identifiers: ClinVar variation 3244368 (VCV003244368.1).

ClinVar aggregate classification (germline): Pathogenic (1 of 4 stars; one submission).

Submission:

Labcorp Genetics (formerly Invitae), Labcorp
Classification: Pathogenic. Last evaluated: 2023-10-17. Review status: criteria provided, single submitter. Criteria: Invitae Variant Classification Sherloc (09022015). Collection method: clinical testing. Allele origin: unknown.
Comment: This variant is a gross deletion of the genomic region encompassing exon(s) 1 of the EIF2B1 gene, which includes the initiator codon. This deletion extends beyond the assayed region for this gene and therefore may encompass additional genes. It is expected to result in an absent or disrupted protein product. Loss-of-function variants in EIF2B1 are known to be pathogenic (PMID: 11835386, 32865661). This variant has not been reported in the literature in individuals affected with EIF2B1-related conditions. For these reasons, this variant has been classified as Pathogenic.

Literature cited by the submitters: PubMed 11835386; PubMed 32865661.